The following is an entry in ClinVar:

NM_000069.3(CACNA1S):c.1393+5G>T

Gene: CACNA1S (calcium voltage-gated channel subunit alpha1 S; minus strand). Cytogenetic location: 1q32.1.
Variant type: single nucleotide variant.
Coding change: c.1393+5G>T on transcript NM_000069.3 (MANE Select); 5 bases into the intron after coding-DNA position 1393, G replaced by T.
Molecular consequence: intron variant.
Genome position (GRCh38, 1-based): chr1:201,083,157, C>A on the plus strand (G>T on the coding strand, the complement: CACNA1S is on the minus strand). VCF-style: chr1-201083157-C-A. GRCh37 (hg19) VCF-style: chr1-201052285-C-A.
Identifiers: ClinVar variation 3894429 (VCV003894429.1).

ClinVar aggregate classification (germline): Uncertain significance (1 of 4 stars; one submission).

Conditions:
Malignant hyperthermia, susceptibility to, 5 (MHS5). Also called: CACNA1S-Related Malignant Hyperthermia Susceptibility. Identifiers: Orphanet 423, MedGen C1866077, MONDO:0011163, OMIM 601887.

Submission:

Color Diagnostics, LLC DBA Color Health
Classification: Uncertain significance for Malignant hyperthermia, susceptibility to, 5. Last evaluated: 2024-01-08. Review status: criteria provided, single submitter. Criteria: ACMG Guidelines, 2015. Collection method: clinical testing. Allele origin: germline.
Comment: This variant causes a G to T nucleotide substitution at the +5 position of intron 10/43 of the CACNA1S gene. To our knowledge, functional studies have not been reported for this variant. This variant has not been reported in individuals affected with CACNA1S-related disorders in the literature. This variant has not been identified in the general population by the Genome Aggregation Database (gnomAD). The available evidence is insufficient to determine the role of this variant in disease conclusively. Therefore, this variant is classified as a Variant of Uncertain Significance.